The following is an entry in ClinVar:

ClinVar aggregate classification (germline): Uncertain significance (1 of 4 stars; one submission).

Submission:

Labcorp Genetics (formerly Invitae), Labcorp
Classification: Uncertain significance. Last evaluated: 2025-08-31. Review status: criteria provided, single submitter. Criteria: Invitae Variant Classification Sherloc (09022015). Collection method: clinical testing. Allele origin: germline.
Comment: This sequence change replaces proline, which is neutral and non-polar, with serine, which is neutral and polar, at codon 1348 of the COL4A1 protein (p.Pro1348Ser). This variant is not present in population databases (gnomAD no frequency). This variant has not been reported in the literature in individuals affected with COL4A1-related conditions. Invitae Evidence Modeling of protein sequence and biophysical properties (such as structural, functional, and spatial information, amino acid conservation, physicochemical variation, residue mobility, and thermodynamic stability) indicates that this missense variant is not expected to disrupt COL4A1 protein function with a negative predictive value of 95%. In summary, the available evidence is currently insufficient to determine the role of this variant in disease. Therefore, it has been classified as a Variant of Uncertain Significance.

NM_001845.6(COL4A1):c.4042C>T (p.Pro1348Ser)

Gene: COL4A1 (collagen type IV alpha 1 chain; minus strand). Cytogenetic location: 13q34.
Variant type: single nucleotide variant.
Coding change: c.4042C>T on transcript NM_001845.6 (MANE Select); coding-DNA position 4042, C replaced by T.
Protein change: p.Pro1348Ser; replaces proline 1348 with serine.
Molecular consequence: missense variant.
Genome position (GRCh38, 1-based): chr13:110,164,970, G>A on the plus strand (C>T on the coding strand, the complement: COL4A1 is on the minus strand). VCF-style: chr13-110164970-G-A. GRCh37 (hg19) VCF-style: chr13-110817317-G-A.
Other names: short protein forms P1348S.
Identifiers: ClinVar variation 4797652 (VCV004797652.1).